The following is an entry in ClinVar:

NR_033294.2(SNORD118):n.119G>C

Genes: SNORD118 (small nucleolar RNA, C/D box 118; minus strand), TMEM107 (transmembrane protein 107; minus strand). Cytogenetic location: 17p13.1.
Variant type: single nucleotide variant.
Molecular consequence: non-coding transcript variant (on NR_033294.2). On other transcripts: 3 prime UTR variant (5).
Genome position: GRCh38 VCF-style: chr17-8173470-C-G. GRCh37 (hg19) VCF-style: chr17-8076788-C-G.
Other names: c.*733G>C (NM_001351278.2, NM_001351279.2, NM_001351280.2 and 2 more transcripts).
Identifiers: ClinVar variation 1356857 (VCV001356857.6), dbSNP rs186890613, ClinGen allele CA287524016.

ClinVar aggregate classification (germline): Uncertain significance (1 of 4 stars; one submission).

Allele frequency attached by ClinVar (database versions not stated): gnomAD exomes 0.00001; 1000 Genomes Project 30x 0.00016.
gnomAD v4.1: 22 of 764,528 alleles (0.0029%); highest among the groups gnomAD compares: South Asian, 0.004%; no homozygotes.

Submission:

Labcorp Genetics (formerly Invitae), Labcorp
Classification: Uncertain significance. Last evaluated: 2023-05-22. Review status: criteria provided, single submitter. Criteria: Invitae Variant Classification Sherloc (09022015). Collection method: clinical testing. Allele origin: germline.
Comment: In summary, the available evidence is currently insufficient to determine the role of this variant in disease. Therefore, it has been classified as a Variant of Uncertain Significance. Experimental studies and prediction algorithms are not available or were not evaluated, and the functional significance of this variant is currently unknown. ClinVar contains an entry for this variant (Variation ID: 1356857). This variant has not been reported in the literature in individuals affected with SNORD118-related conditions. This variant is present in population databases (no rsID available, gnomAD 0.006%). This variant occurs in the SNORD118 gene, which encodes an RNA molecule that does not result in a protein product.